The following is an entry in ClinVar:

ClinVar aggregate classification (germline): Uncertain significance (1 of 4 stars; one submission).

Allele frequency attached by ClinVar (database versions not stated): TOPMed 0.00008; gnomAD 0.00009.
gnomAD v4.1: 18 of 1,553,654 alleles (0.0012%); highest among the groups gnomAD compares: Admixed American, 0.03%; no homozygotes.

Submission:

Labcorp Genetics (formerly Invitae), Labcorp
Classification: Uncertain significance. Last evaluated: 2023-10-03. Review status: criteria provided, single submitter. Criteria: Invitae Variant Classification Sherloc (09022015). Collection method: clinical testing. Allele origin: germline.
Comment: This sequence change falls in intron 5 of the CFI gene. It does not directly change the encoded amino acid sequence of the CFI protein. It affects a nucleotide within the consensus splice site. This variant is present in population databases (no rsID available, gnomAD 0.01%). This variant has not been reported in the literature in individuals affected with CFI-related conditions. ClinVar contains an entry for this variant (Variation ID: 1923164). Variants that disrupt the consensus splice site are a relatively common cause of aberrant splicing (PMID: 17576681, 9536098). Algorithms developed to predict the effect of sequence changes on RNA splicing suggest that this variant is not likely to affect RNA splicing. In summary, the available evidence is currently insufficient to determine the role of this variant in disease. Therefore, it has been classified as a Variant of Uncertain Significance.

Literature cited by the submitters: PubMed 17576681; PubMed 9536098.

NM_000204.5(CFI):c.772+4G>A

Gene: CFI (complement factor I; minus strand). Cytogenetic location: 4q25.
Variant type: single nucleotide variant.
Coding change: c.772+4G>A on transcript NM_000204.5 (MANE Select); 4 bases into the intron after coding-DNA position 772, G replaced by A.
Molecular consequence: intron variant.
Genome position (GRCh38, 1-based): chr4:109,760,519, C>T on the plus strand (G>A on the coding strand, the complement: CFI is on the minus strand). VCF-style: chr4-109760519-C-T. GRCh37 (hg19) VCF-style: chr4-110681675-C-T.
Other names: c.772+4G>A (NM_001318057.2, NM_001375282.1, NM_001375280.1 and 5 more transcripts); c.163+4G>A (NM_001375284.1).
Identifiers: ClinVar variation 1923164 (VCV001923164.5), dbSNP rs1395505893, ClinGen allele CA554050655.
Genomic context (GRCh38, chr4:109,760,519, plus strand): 5'-TTGCTTTTCCTCTTTTAGTCAGAAAAATGAATTTAGAGGATTTAGAGGCTAGATTTATGT[C>T]TACCTTTACAACACAGTTCATCACTTTGGTCTCCACAATCATTGATACCATCACAGGCTT-3'